The following is an entry in ClinVar:

NM_000257.4(MYH7):c.2680-1G>T

Gene: MYH7 (myosin heavy chain 7; minus strand). Cytogenetic location: 14q11.2.
Variant type: single nucleotide variant.
Coding change: c.2680-1G>T on transcript NM_000257.4 (MANE Select); the canonical splice acceptor site of the intron before coding-DNA position 2680, G replaced by T.
Molecular consequence: splice acceptor variant.
Genome position (GRCh38, 1-based): chr14:23,424,150, C>A on the plus strand (G>T on the coding strand, the complement: MYH7 is on the minus strand). VCF-style: chr14-23424150-C-A. GRCh37 (hg19) VCF-style: chr14-23893359-C-A.
Other names: c.2680-1G>T (NM_001407004.1).
Identifiers: ClinVar variation 4278631 (VCV004278631.1).

ClinVar aggregate classification (germline): Uncertain significance (1 of 4 stars; one submission).

Submission:

GeneDx
Classification: Uncertain significance. Last evaluated: 2025-03-26. Review status: criteria provided, single submitter. Criteria: GeneDx Variant Classification Process June 2021. Collection method: clinical testing. Allele origin: germline. Affected: yes.
Comment: Not observed at significant frequency in large population cohorts (gnomAD); Canonical splice site variant in a gene or region of a gene for which loss of function is not a well-established mechanism of disease; Has not been previously published as pathogenic or benign to our knowledge